The following is an entry in ClinVar:

ClinVar aggregate classification (germline): Uncertain significance (1 of 4 stars; one submission).

Conditions:
Ataxia-telangiectasia syndrome (AT). Also called: LOUIS-BAR SYNDROME; Cerebello-oculocutaneous telangiectasia; Immunodeficiency with ataxia telangiectasia; ATAXIA-TELANGIECTASIA, COMPLEMENTATION GROUP A; ATAXIA-TELANGIECTASIA, FRESNO VARIANT; Ataxia-telangiectasia, complementation group D. Identifiers: Orphanet 100, MedGen C0004135, MONDO:0008840, OMIM 208900.

Submission:

Labcorp Genetics (formerly Invitae), Labcorp
Classification: Uncertain significance for Ataxia-telangiectasia syndrome. Last evaluated: 2024-07-04. Review status: criteria provided, single submitter. Criteria: Invitae Variant Classification Sherloc (09022015). Collection method: clinical testing. Allele origin: germline.
Comment: This sequence change replaces serine, which is neutral and polar, with threonine, which is neutral and polar, at codon 333 of the ATM protein (p.Ser333Thr). This variant is not present in population databases (gnomAD no frequency). This variant has not been reported in the literature in individuals affected with ATM-related conditions. Algorithms developed to predict the effect of missense changes on protein structure and function output the following: SIFT: "Not Available"; PolyPhen-2: "Benign"; Align-GVGD: "Not Available". The threonine amino acid residue is found in multiple mammalian species, which suggests that this missense change does not adversely affect protein function. In summary, the available evidence is currently insufficient to determine the role of this variant in disease. Therefore, it has been classified as a Variant of Uncertain Significance.

NM_000051.4(ATM):c.997T>A (p.Ser333Thr)

Gene: ATM (ATM serine/threonine kinase; plus strand). Cytogenetic location: 11q22.3.
Variant type: single nucleotide variant.
Coding change: c.997T>A on transcript NM_000051.4 (MANE Select); coding-DNA position 997, T replaced by A.
Protein change: p.Ser333Thr; replaces serine 333 with threonine.
Molecular consequence: missense variant.
Genome position (GRCh38, 1-based): chr11:108,247,059, T>A. VCF-style: chr11-108247059-T-A. GRCh37 (hg19) VCF-style: chr11-108117786-T-A.
Other names: c.997T>A, p.Ser333Thr (NM_001351834.2); short protein forms S333T.
Identifiers: ClinVar variation 3658753 (VCV003658753.2).